The following is an entry in ClinVar:

NM_019109.5(ALG1):c.1056C>G (p.Asp352Glu)

Gene: ALG1 (ALG1 chitobiosyldiphosphodolichol beta-mannosyltransferase; plus strand). Cytogenetic location: 16p13.3.
Variant type: single nucleotide variant.
Coding change: c.1056C>G on transcript NM_019109.5 (MANE Select); coding-DNA position 1056, C replaced by G.
Protein change: p.Asp352Glu; replaces aspartic acid 352 with glutamic acid.
Molecular consequence: missense variant.
Genome position (GRCh38, 1-based): chr16:5,081,040, C>G. VCF-style: chr16-5081040-C-G. GRCh37 (hg19) VCF-style: chr16-5131041-C-G.
Other names: c.723C>G, p.Asp241Glu (NM_001330504.2); short protein forms D241E, D352E.
Identifiers: ClinVar variation 2099578 (VCV002099578.4), dbSNP rs2505868935, ClinGen allele CA394673101.

ClinVar aggregate classification (germline): Uncertain significance (1 of 4 stars; one submission).

Conditions:
ALG1-congenital disorder of glycosylation. Also called: CONGENITAL DISORDER OF GLYCOSYLATION, TYPE Ik; ALG1-CDG; CDG Ik. Identifiers: Orphanet 79327, MedGen C2931005, MONDO:0012052, OMIM 608540.

Submission:

Labcorp Genetics (formerly Invitae), Labcorp
Classification: Uncertain significance for ALG1-congenital disorder of glycosylation. Last evaluated: 2022-02-19. Review status: criteria provided, single submitter. Criteria: Invitae Variant Classification Sherloc (09022015). Collection method: clinical testing. Allele origin: germline.
Comment: In summary, the available evidence is currently insufficient to determine the role of this variant in disease. Therefore, it has been classified as a Variant of Uncertain Significance. Advanced modeling of protein sequence and biophysical properties (such as structural, functional, and spatial information, amino acid conservation, physicochemical variation, residue mobility, and thermodynamic stability) performed at Invitae indicates that this missense variant is expected to disrupt ALG1 protein function. This variant has not been reported in the literature in individuals affected with ALG1-related conditions. This variant is not present in population databases (gnomAD no frequency). This sequence change replaces aspartic acid, which is acidic and polar, with glutamic acid, which is acidic and polar, at codon 352 of the ALG1 protein (p.Asp352Glu).